The following is an entry in ClinVar:

NM_001613.4(ACTA2):c.4T>A (p.Cys2Ser)

Gene: ACTA2 (actin alpha 2, smooth muscle; minus strand). Cytogenetic location: 10q23.31.
Variant type: single nucleotide variant.
Coding change: c.4T>A on transcript NM_001613.4 (MANE Select); coding-DNA position 4, T replaced by A.
Protein change: p.Cys2Ser; replaces cysteine 2 with serine.
Molecular consequence: missense variant.
Genome position (GRCh38, 1-based): chr10:88,948,927, A>T on the plus strand (T>A on the coding strand, the complement: ACTA2 is on the minus strand). VCF-style: chr10-88948927-A-T. GRCh37 (hg19) VCF-style: chr10-90708684-A-T.
Other names: c.4T>A, p.Cys2Ser (NM_001406463.1, NM_001406464.1, NM_001406466.1 and 7 more transcripts); short protein forms C2S.
Identifiers: ClinVar variation 962639 (VCV000962639.15), dbSNP rs1846002030, ClinGen allele CA377513853.

ClinVar aggregate classification (germline): Uncertain significance. Review status: criteria provided, multiple submitters, no conflicts (2 of 4 stars). 4 submissions from 4 submitters: Uncertain significance (4). Last evaluated 2025-09-25.

Conditions:
Aortic aneurysm, familial thoracic 6 (AAT6). Also called: FAMILIAL THORACIC AORTIC ANEURYSM WITH LIVEDO RETICULARIS AND IRIS FLOCCULI. Identifiers: MedGen C2673186, MONDO:0012730, OMIM 611788.
Familial thoracic aortic aneurysm and aortic dissection (TAAD). Also called: Thoracic aortic aneurysms and dissections. Identifiers: Orphanet 91387, MedGen C4707243, MONDO:0019625.

Allele frequency attached by ClinVar (database versions not stated): gnomAD exomes below 0.00001.
gnomAD v4.1: 5 of 1,613,746 alleles (0.00031%); highest among the groups gnomAD compares: East Asian, 0.011%; no homozygotes.

Submissions (4):

Ambry Genetics
Classification: Uncertain significance for Familial thoracic aortic aneurysm and aortic dissection. Last evaluated: 2025-09-25. Review status: criteria provided, single submitter. Criteria: Ambry Variant Classification Scheme 2023. Collection method: clinical testing. Allele origin: germline.
Comment: The p.C2S variant (also known as c.4T>A), located in coding exon 1 of the ACTA2 gene, results from a T to A substitution at nucleotide position 4. The cysteine at codon 2 is replaced by serine, an amino acid with dissimilar properties. This amino acid position is conserved. In addition, this alteration is predicted to be deleterious by in silico analysis. Since supporting evidence is limited at this time, the clinical significance of this alteration remains unclear.

Color Diagnostics, LLC DBA Color Health
Classification: Uncertain significance for Familial thoracic aortic aneurysm and aortic dissection. Last evaluated: 2025-09-03. Review status: criteria provided, single submitter. Criteria: ACMG Guidelines, 2015. Collection method: clinical testing. Allele origin: germline.
Comment: This missense variant replaces cysteine with serine at codon 2 of the ACTA2 protein. Computational prediction is inconclusive regarding the impact of this variant on protein structure and function. To our knowledge, functional studies have not been reported for this variant. This variant has not been reported in individuals affected with ACTA2-related disorders in the literature. This variant has not been identified in the general population by the Genome Aggregation Database (gnomAD). The available evidence is insufficient to determine the role of this variant in disease conclusively. Therefore, this variant is classified as a Variant of Uncertain Significance.

GeneDx
Classification: Uncertain significance. Last evaluated: 2025-05-28. Review status: criteria provided, single submitter. Criteria: GeneDx Variant Classification Process June 2021. Collection method: clinical testing. Allele origin: germline. Affected: yes.
Comment: Not observed at significant frequency in large population cohorts (gnomAD); In silico analysis suggests that this missense variant does not alter protein structure/function; Has not been previously published as pathogenic or benign to our knowledge

Labcorp Genetics (formerly Invitae), Labcorp
Classification: Uncertain significance for Aortic aneurysm, familial thoracic 6. Last evaluated: 2022-07-26. Review status: criteria provided, single submitter. Criteria: Invitae Variant Classification Sherloc (09022015). Collection method: clinical testing. Allele origin: germline.
Comment: This variant is not present in population databases (gnomAD no frequency). This variant has not been reported in the literature in individuals affected with ACTA2-related conditions. ClinVar contains an entry for this variant (Variation ID: 962639). Advanced modeling of protein sequence and biophysical properties (such as structural, functional, and spatial information, amino acid conservation, physicochemical variation, residue mobility, and thermodynamic stability) performed at Invitae indicates that this missense variant is not expected to disrupt ACTA2 protein function. In summary, the available evidence is currently insufficient to determine the role of this variant in disease. Therefore, it has been classified as a Variant of Uncertain Significance. This sequence change replaces cysteine, which is neutral and slightly polar, with serine, which is neutral and polar, at codon 2 of the ACTA2 protein (p.Cys2Ser).